The following is an entry in ClinVar:

NM_007294.4(BRCA1):c.1945G>T (p.Glu649Ter)

Gene: BRCA1 (BRCA1 DNA repair associated; minus strand). Cytogenetic location: 17q21.31.
Variant type: single nucleotide variant.
Coding change: c.1945G>T on transcript NM_007294.4 (MANE Select); coding-DNA position 1945, G replaced by T.
Protein change: p.Glu649Ter; replaces glutamic acid 649 with a stop codon.
Molecular consequence: nonsense. On other transcripts: intron variant (137).
Genome position (GRCh38, 1-based): chr17:43,093,586, C>A on the plus strand (G>T on the coding strand, the complement: BRCA1 is on the minus strand). VCF-style: chr17-43093586-C-A. GRCh37 (hg19) VCF-style: chr17-41245603-C-A.
Other names: c.1732G>T, p.Glu578Ter (NM_001407571.1, NM_001407853.1, NM_001407894.1 and 9 more transcripts); c.1945G>T, p.Glu649Ter (NM_001407581.1, NM_001407582.1, NM_001407583.1 and 30 more transcripts); c.1942G>T, p.Glu648Ter (NM_001407587.1, NM_001407590.1, NM_001407591.1 and 22 more transcripts); c.1936G>T, p.Glu646Ter (NM_001407646.1, NM_001407647.1); c.1822G>T, p.Glu608Ter (NM_001407648.1, NM_001407664.1, NM_001407665.1 and 19 more transcripts); c.1819G>T, p.Glu607Ter (NM_001407649.1, NM_001407670.1, NM_001407671.1 and 11 more transcripts); c.1867G>T, p.Glu623Ter (NM_001407653.1, NM_001407654.1, NM_001407655.1 and 4 more transcripts); c.1864G>T, p.Glu622Ter (NM_001407659.1, NM_001407660.1, NM_001407661.1 and 1 more transcripts); and 40 more; short protein forms E649*, E602*, E353*, E522*, E578*, E581*, E607*, E623*.
Identifiers: ClinVar variation 54408 (VCV000054408.5), dbSNP rs80356907, ClinGen allele CA001287.

ClinVar aggregate classification (germline): Pathogenic. Review status: reviewed by expert panel (3 of 4 stars). 3 submissions from 3 submitters: Pathogenic (1). 2 of the submissions do not count toward it. Last evaluated 2016-09-08.

Conditions:
Breast-ovarian cancer, familial, susceptibility to, 1 (BROVCA1). Also called: OVARIAN CANCER, SUSCEPTIBILITY TO; BRCA1 Hereditary Breast and Ovarian Cancer. Identifiers: Orphanet 145, MedGen C2676676, MONDO:0011450, OMIM 604370. Disease mechanism: loss of function.

Submissions (3):

Evidence-based Network for the Interpretation of Germline Mutant Alleles (ENIGMA)
Classification: Pathogenic for Breast-ovarian cancer, familial, susceptibility to, 1. Last evaluated: 2016-09-08. Review status: reviewed by expert panel. Criteria: ENIGMA BRCA1/2 Classification Criteria (2015). Collection method: curation. Allele origin: germline.
Comment: Variant allele predicted to encode a truncated non-functional protein.

Consortium of Investigators of Modifiers of BRCA1/2 (CIMBA), c/o University of Cambridge
Classification: Pathogenic for Breast-ovarian cancer, familial, susceptibility to, 1. Last evaluated: 2015-10-02. Review status: criteria provided, single submitter. Criteria: CIMBA Mutation Classification guidelines May 2016. Collection method: clinical testing. Allele origin: germline. Not counted in ClinVar's aggregate classification.

Breast Cancer Information Core (BIC) (BRCA1)
Classification: Pathogenic for Breast-ovarian cancer, familial 1. Last evaluated: 1999-04-12. Review status: no assertion criteria provided. Collection method: clinical testing. Allele origin: germline. Affected: yes. Observed: 2 variant alleles. Not counted in ClinVar's aggregate classification.